The following is an entry in ClinVar:

NM_003361.4(UMOD):c.335_336delinsTT (p.Cys112Phe)

Gene: UMOD (uromodulin; minus strand). Cytogenetic location: 16p12.3.
Variant type: Indel.
Coding change: c.335_336delinsTT on transcript NM_003361.4 (MANE Select); coding-DNA positions 335 to 336, GC replaced by TT.
Protein change: p.Cys112Phe; replaces cysteine 112 with phenylalanine.
Molecular consequence: missense variant. On other transcripts: non-coding transcript variant (1).
Genome position (GRCh38, 1-based): chr16:20,348,965-20,348,966, GC replaced by AA on the plus strand (GC replaced by TT on the coding strand, the reverse complement: UMOD is on the minus strand). VCF-style: chr16-20348965-GC-AA. GRCh37 (hg19) VCF-style: chr16-20360287-GC-AA.
Other names: c.335_336delinsTT, p.Cys112Phe (NM_001008389.3, NM_001378232.1, NM_001378233.1 and 3 more transcripts); c.434_435delinsTT, p.Cys145Phe (NM_001278614.2); short protein forms C112F, C145F.
Identifiers: ClinVar variation 3774582 (VCV003774582.1).

ClinVar aggregate classification (germline): Likely pathogenic (1 of 4 stars; one submission).

Conditions:
Familial juvenile hyperuricemic nephropathy type 1 (ADTKD1). Also called: UMOD-Associated Kidney Disease; Uromodulin-associated kidney disease; Glomerulocystic kidney disease with hyperuricemia and isosthenuria; Medullary cystic kidney disease 2; Autosomal Dominant Tubulointerstitial Kidney Disease – UMOD. Identifiers: Orphanet 209886, Orphanet 34149, Orphanet 88950, MedGen C4551496, MONDO:0008073, OMIM 162000.

Submission:

MVZ Medizinische Genetik Mainz
Classification: Likely pathogenic for Familial juvenile hyperuricemic nephropathy type 1. Last evaluated: 2025-03-04. Review status: criteria provided, single submitter. Criteria: UK Practice Guidelines For Variant Classification V4 01 2020. Collection method: clinical testing. Allele origin: germline. Inheritance: Autosomal dominant inheritance. Affected: yes. Observed: 1 variant allele.
Comment: ACMG Criteria: PP3_STR,PM5,PM1_SUP,PM2_SUP,PP4